The following is an entry in ClinVar:

NM_001035.3(RYR2):c.6793-17_6793-16dup

Gene: RYR2 (ryanodine receptor 2; plus strand). Cytogenetic location: 1q43.
Variant type: Duplication.
Coding change: c.6793-17_6793-16dup on transcript NM_001035.3 (MANE Select); 17 bases into the intron before coding-DNA position 6793 through 16 bases into the intron before coding-DNA position 6793, 2 bases duplicated (AA; older notation c.6793-17_6793-16dupAA).
Molecular consequence: intron variant.
Genome position (GRCh38, 1-based): chr1:237,638,340-237,638,341, AA duplicated. VCF-style (leftmost placement, unchanged base first): chr1-237638339-T-TAA. GRCh37 (hg19) VCF-style: chr1-237801639-T-TAA.
Other names: c.6793-17_6793-16dup (LRG_402t1).
Identifiers: ClinVar variation 420295 (VCV000420295.10), dbSNP rs761591314, ClinGen allele CA087222.
Genomic context (GRCh38, chr1:237,638,339, plus strand): 5'-TCATTTATTGTATCCAATGTAAGCATCTAATGAGTTTTCAGCCAAGGGATAACTCTTTGT[T>TAA]AATCATGTTGTTTGCAGGTAGTTCGTTATTTGGCTGGTTGTGGACTGCAAAGTTGCCAGA-3'

ClinVar aggregate classification (germline): Likely benign. Review status: criteria provided, multiple submitters, no conflicts (2 of 4 stars). 2 submissions from 2 submitters: Likely benign (2). Last evaluated 2026-01-31.

Conditions:
Catecholaminergic polymorphic ventricular tachycardia 1. Also called: RYR2-Related Catecholaminergic Polymorphic Ventricular Tachycardia; VENTRICULAR TACHYCARDIA, STRESS-INDUCED POLYMORPHIC 1; VENTRICULAR TACHYCARDIA, CATECHOLAMINERGIC POLYMORPHIC, 1, WITH OR WITHOUT ATRIAL DYSFUNCTION AND/OR DILATED CARDIOMYOPATHY. Identifiers: Orphanet 3286, MedGen C1631597, MONDO:0011484, OMIM 604772.

Allele frequency attached by ClinVar (database versions not stated): gnomAD 0.00001; ExAC 0.00002; gnomAD exomes 0.00002.

Submissions (2):

Labcorp Genetics (formerly Invitae), Labcorp
Classification: Likely benign for Catecholaminergic polymorphic ventricular tachycardia 1. Last evaluated: 2026-01-31. Review status: criteria provided, single submitter. Criteria: Invitae Variant Classification Sherloc (09022015). Collection method: clinical testing. Allele origin: germline.

GeneDx
Classification: Likely benign. Last evaluated: 2015-12-22. Review status: criteria provided, single submitter. Criteria: GeneDx Variant Classification (06012015). Collection method: clinical testing. Allele origin: germline. Affected: yes.
Comment: This variant is considered likely benign or benign based on one or more of the following criteria: it is a conservative change, it occurs at a poorly conserved position in the protein, it is predicted to be benign by multiple in silico algorithms, and/or has population frequency not consistent with disease.